The following is an entry in ClinVar:

ClinVar aggregate classification (germline): Uncertain significance. Review status: criteria provided, multiple submitters, no conflicts (2 of 4 stars). 2 submissions from 2 submitters: Uncertain significance (2). Last evaluated 2025-02-04.

Conditions:
Inborn genetic diseases. Identifiers: MedGen C0950123, MeSH D030342.

Allele frequency attached by ClinVar (database versions not stated): ExAC 0.00001; gnomAD 0.00001; gnomAD exomes 0.00001; TOPMed 0.00004.
gnomAD v4.1: 6 of 1,613,990 alleles (0.00037%); highest among the groups gnomAD compares: Admixed American, 0.005%; no homozygotes.

Submissions (2):

Labcorp Genetics (formerly Invitae), Labcorp
Classification: Uncertain significance. Last evaluated: 2025-02-04. Review status: criteria provided, single submitter. Criteria: Invitae Variant Classification Sherloc (09022015). Collection method: clinical testing. Allele origin: germline.
Comment: This sequence change replaces alanine, which is neutral and non-polar, with glycine, which is neutral and non-polar, at codon 661 of the ERCC2 protein (p.Ala661Gly). This variant is present in population databases (rs772598384, gnomAD 0.0009%). This variant has not been reported in the literature in individuals affected with ERCC2-related conditions. ClinVar contains an entry for this variant (Variation ID: 2348688). Invitae Evidence Modeling of protein sequence and biophysical properties (such as structural, functional, and spatial information, amino acid conservation, physicochemical variation, residue mobility, and thermodynamic stability) indicates that this missense variant is expected to disrupt ERCC2 protein function with a positive predictive value of 80%. In summary, the available evidence is currently insufficient to determine the role of this variant in disease. Therefore, it has been classified as a Variant of Uncertain Significance.

Ambry Genetics
Classification: Uncertain significance for Inborn genetic diseases. Last evaluated: 2021-08-02. Review status: criteria provided, single submitter. Criteria: Ambry Variant Classification Scheme 2023. Collection method: clinical testing. Allele origin: germline.

NM_000400.4(ERCC2):c.1982C>G (p.Ala661Gly)

Gene: ERCC2 (ERCC excision repair 2, TFIIH core complex helicase subunit; minus strand). Cytogenetic location: 19q13.32.
Variant type: single nucleotide variant.
Coding change: c.1982C>G on transcript NM_000400.4 (MANE Select); coding-DNA position 1982, C replaced by G.
Protein change: p.Ala661Gly; replaces alanine 661 with glycine.
Molecular consequence: missense variant.
Genome position (GRCh38, 1-based): chr19:45,352,570, G>C on the plus strand (C>G on the coding strand, the complement: ERCC2 is on the minus strand). VCF-style: chr19-45352570-G-C. GRCh37 (hg19) VCF-style: chr19-45855828-G-C.
Other names: short protein forms A661G.
Identifiers: ClinVar variation 2348688 (VCV002348688.3), dbSNP rs772598384, ClinGen allele CA9512951.
Genomic context (GRCh38, chr19:45,352,570, plus strand): 5'-TCGGCAAAGACCATGAGGCCGTAGTCCGTCTTGCCCCTGATGGCCCGACCCACACACTGG[G>C]CCGCGTGGCGCATGGCATCGAAGGTAAGAAAGTCATTCTCACGAATCTGGAACTGGTCCC-3'
Protein context (NP_000391.1, residues 651-671): FLTFDAMRHA[Ala661Gly]QCVGRAIRGK